The following is an entry in ClinVar:

ClinVar aggregate classification (germline): Likely benign (0 of 4 stars; one submission).

Conditions:
PCOLCE-related disorder. Also called: PCOLCE-related condition.

gnomAD v4.1: 26 of 1,614,042 alleles (0.0016%); highest among the groups gnomAD compares: Non-Finnish European, 0.002%; no homozygotes.

Submission:

PreventionGenetics, part of Exact Sciences
Classification: Likely benign for PCOLCE-related condition. Last evaluated: 2019-08-06. Review status: no assertion criteria provided. Collection method: clinical testing. Allele origin: germline.
Comment: This variant is classified as likely benign based on ACMG/AMP sequence variant interpretation guidelines (Richards et al. 2015 PMID: 25741868, with internal and published modifications).

NM_002593.4(PCOLCE):c.823C>A (p.Arg275=)

Gene: PCOLCE (procollagen C-endopeptidase enhancer; plus strand). Cytogenetic location: 7q22.1.
Variant type: single nucleotide variant.
Coding change: c.823C>A on transcript NM_002593.4 (MANE Select); coding-DNA position 823, C replaced by A.
Protein change: p.Arg275=; no amino-acid change (arginine 275 retained).
Molecular consequence: synonymous variant.
Genome position (GRCh38, 1-based): chr7:100,606,513, C>A. VCF-style: chr7-100606513-C-A. GRCh37 (hg19) VCF-style: chr7-100204136-C-A.
Identifiers: ClinVar variation 3035774 (VCV003035774.2), dbSNP rs750369223, ClinGen allele CA4385705.